The following is an entry in ClinVar:

NM_001267550.2(TTN):c.48223_48227dup (p.Trp16076Ter)

Genes: TTN-AS1 (TTN antisense RNA 1; plus strand), TTN (titin; minus strand). Cytogenetic location: 2q31.2.
Variant type: Duplication.
Coding change: c.48223_48227dup on transcript NM_001267550.2 (MANE Select); coding-DNA positions 48223 to 48227, 5 bases duplicated (ACTTG; older notation c.48223_48227dupACTTG).
Protein change: p.Trp16076Ter; replaces tryptophan 16076 with a stop codon.
Molecular consequence: nonsense.
Genome position (GRCh38, 1-based): chr2:178,616,564-178,616,568, CAAGT duplicated on the plus strand (ACTTG on the coding strand, the reverse complement: TTN is on the minus strand); duplicating any 5 consecutive bases within chr2:178,616,564-178,616,571 gives the same sequence; the c. name uses the placement nearest the transcript's 3' end. VCF-style (leftmost placement, unchanged base first): chr2-178616563-C-CCAAGT. GRCh37 (hg19) VCF-style: chr2-179481290-C-CCAAGT.
Other names: c.43300_43304dup, p.Trp14435Ter (NM_001256850.1); c.21028_21032dup, p.Trp7011Ter (NM_003319.4); c.40519_40523dup, p.Trp13508Ter (NM_133378.4); c.21403_21407dup, p.Trp7136Ter (NM_133432.3); c.21604_21608dup, p.Trp7203Ter (NM_133437.4); short protein forms W7011*, W13508*, W16076*, W14435*, W7136*, W7203*.
Identifiers: ClinVar variation 2100771 (VCV002100771.4), dbSNP rs2470806477, ClinGen allele CA2580065334.
Genomic context (GRCh38, chr2:178,616,563, plus strand): 5'-TTCTCGTTTTTCAACAACGTATCCAGTTAACGGACTTCCTCCATCATCATCAGGTGGTTC[C>CCAAGT]CAAGTCAAATGTACTGAGTCCTTGGTTATATCACCAAATTTCAATTCTTTGGGTGCACTT-3'

ClinVar aggregate classification (germline): Likely pathogenic (1 of 4 stars; one submission).

Conditions:
Dilated cardiomyopathy 1G (CMD1G). Identifiers: Orphanet 154, MedGen C1858763, MONDO:0011400, OMIM 604145.
Autosomal recessive limb-girdle muscular dystrophy type 2J (LGMDR10). Also called: Limb-girdle muscular dystrophy, type 2J; MUSCULAR DYSTROPHY, LIMB-GIRDLE, AUTOSOMAL RECESSIVE 10. Identifiers: Orphanet 140922, MedGen C1837342, MONDO:0012127, OMIM 608807.

Submission:

Labcorp Genetics (formerly Invitae), Labcorp
Classification: Likely pathogenic for Dilated cardiomyopathy 1G; Autosomal recessive limb-girdle muscular dystrophy type 2J. Last evaluated: 2022-02-21. Review status: criteria provided, single submitter. Criteria: Invitae Variant Classification Sherloc (09022015). Collection method: clinical testing. Allele origin: germline.
Comment: This variant has not been reported in the literature in individuals affected with TTN-related conditions. This variant is located in the A band of TTN (PMID: 25589632). Truncating variants in this region are significantly overrepresented in patients affected with dilated cardiomyopathy (PMID: 25589632). Truncating variants in this region have also been reported in individuals affected with autosomal recessive centronuclear myopathy (PMID: 23975875). In summary, the currently available evidence indicates that the variant is pathogenic, but additional data are needed to prove that conclusively. Therefore, this variant has been classified as Likely Pathogenic. This sequence change creates a premature translational stop signal (p.Trp16076*) in the TTN gene. While this is not anticipated to result in nonsense mediated decay, it is expected to create a truncated TTN protein. This variant is not present in population databases (gnomAD no frequency).

Literature cited by the submitters: PubMed 25589632; PubMed 23975875.